The following is an entry in ClinVar:

NM_006277.3(ITSN2):c.2005C>T (p.Arg669Cys)

Gene: ITSN2 (intersectin 2; minus strand). Cytogenetic location: 2p23.3.
Variant type: single nucleotide variant.
Coding change: c.2005C>T on transcript NM_006277.3 (MANE Select); coding-DNA position 2005, C replaced by T.
Protein change: p.Arg669Cys; replaces arginine 669 with cysteine.
Molecular consequence: missense variant.
Genome position (GRCh38, 1-based): chr2:24,275,789, G>A on the plus strand (C>T on the coding strand, the complement: ITSN2 is on the minus strand). VCF-style: chr2-24275789-G-A. GRCh37 (hg19) VCF-style: chr2-24498658-G-A.
Other names: c.1963C>T, p.Arg655Cys (NM_001348181.2); c.1924C>T, p.Arg642Cys (NM_001348182.2, NM_001348183.2, NM_001348186.2 and 1 more transcripts); c.1882C>T, p.Arg628Cys (NM_001348184.2); c.2005C>T, p.Arg669Cys (NM_001348185.2, NM_147152.3); short protein forms R669C, R628C, R655C, R642C.
Identifiers: ClinVar variation 2624033 (VCV002624033.3), dbSNP rs144528455, ClinGen allele CA1551316.

ClinVar aggregate classification (germline): Uncertain significance. Review status: criteria provided, multiple submitters, no conflicts (2 of 4 stars). 2 submissions from 2 submitters: Uncertain significance (2). Last evaluated 2025-09-22.

Allele frequency attached by ClinVar (database versions not stated): gnomAD 0.00002; TOPMed 0.00002; ESP Exome Variant Server 0.00008; gnomAD exomes 0.00001; ExAC 0.00004.
gnomAD v4.1: 22 of 1,611,426 alleles (0.0014%); highest among the groups gnomAD compares: African/African-American, 0.0094%; no homozygotes.

Submissions (2):

Labcorp Genetics (formerly Invitae), Labcorp
Classification: Uncertain significance. Last evaluated: 2025-09-22. Review status: criteria provided, single submitter. Criteria: Invitae Variant Classification Sherloc (09022015). Collection method: clinical testing. Allele origin: germline.
Comment: This sequence change replaces arginine, which is basic and polar, with cysteine, which is neutral and slightly polar, at codon 669 of the ITSN2 protein (p.Arg669Cys). This variant is present in population databases (rs144528455, gnomAD 0.01%). This variant has not been reported in the literature in individuals affected with ITSN2-related conditions. ClinVar contains an entry for this variant (Variation ID: 2624033). An algorithm developed to predict the effect of missense changes on protein structure and function outputs the following: PolyPhen-2: "Not Available". The cysteine amino acid residue is found in multiple mammalian species, which suggests that this missense change does not adversely affect protein function. In summary, the available evidence is currently insufficient to determine the role of this variant in disease. Therefore, it has been classified as a Variant of Uncertain Significance.

Ambry Genetics
Classification: Uncertain significance. Last evaluated: 2023-09-14. Review status: criteria provided, single submitter. Criteria: Ambry Variant Classification Scheme 2023. Collection method: clinical testing. Allele origin: germline.